The following is an entry in ClinVar:

NM_016616.5(NME8):c.863A>G (p.Asp288Gly)

Gene: NME8 (NME/NM23 family member 8; plus strand). Cytogenetic location: 7p14.1.
Variant type: single nucleotide variant.
Coding change: c.863A>G on transcript NM_016616.5 (MANE Select); coding-DNA position 863, A replaced by G.
Protein change: p.Asp288Gly; replaces aspartic acid 288 with glycine.
Molecular consequence: missense variant.
Genome position (GRCh38, 1-based): chr7:37,876,876, A>G. VCF-style: chr7-37876876-A-G. GRCh37 (hg19) VCF-style: chr7-37916478-A-G.
Other names: short protein forms D288G.
Identifiers: ClinVar variation 3665521 (VCV003665521.2).

ClinVar aggregate classification (germline): Uncertain significance (1 of 4 stars; one submission).

Conditions:
Primary ciliary dyskinesia 6. Also called: Primary Ciliary Dyskinesia 6: TXNDC3-Related Primary Ciliary Dyskinesia. Identifiers: Orphanet 244, MedGen C1970506, MONDO:0012571, OMIM 610852.

Submission:

Labcorp Genetics (formerly Invitae), Labcorp
Classification: Uncertain significance for Primary ciliary dyskinesia 6. Last evaluated: 2024-09-09. Review status: criteria provided, single submitter. Criteria: Invitae Variant Classification Sherloc (09022015). Collection method: clinical testing. Allele origin: germline.
Comment: This sequence change replaces aspartic acid, which is acidic and polar, with glycine, which is neutral and non-polar, at codon 288 of the NME8 protein (p.Asp288Gly). This variant is not present in population databases (gnomAD no frequency). This variant has not been reported in the literature in individuals affected with NME8-related conditions. Invitae Evidence Modeling of protein sequence and biophysical properties (such as structural, functional, and spatial information, amino acid conservation, physicochemical variation, residue mobility, and thermodynamic stability) has been performed for this missense variant. However, the output from this modeling did not meet the statistical confidence thresholds required to predict the impact of this variant on NME8 protein function. In summary, the available evidence is currently insufficient to determine the role of this variant in disease. Therefore, it has been classified as a Variant of Uncertain Significance.